The following is an entry in ClinVar:

ClinVar aggregate classification (germline): Uncertain significance (1 of 4 stars; one submission).

Conditions:
Tuberous sclerosis 2 (TSC2). Identifiers: Orphanet 805, MedGen C1860707, MONDO:0013199, OMIM 613254.

Submission:

Labcorp Genetics (formerly Invitae), Labcorp
Classification: Uncertain significance for Tuberous sclerosis 2. Last evaluated: 2024-05-05. Review status: criteria provided, single submitter. Criteria: Invitae Variant Classification Sherloc (09022015). Collection method: clinical testing. Allele origin: germline.
Comment: This sequence change replaces serine, which is neutral and polar, with glycine, which is neutral and non-polar, at codon 49 of the TSC2 protein (p.Ser49Gly). This variant is not present in population databases (gnomAD no frequency). This variant has not been reported in the literature in individuals affected with TSC2-related conditions. Advanced modeling of protein sequence and biophysical properties (such as structural, functional, and spatial information, amino acid conservation, physicochemical variation, residue mobility, and thermodynamic stability) performed at Invitae indicates that this missense variant is not expected to disrupt TSC2 protein function with a negative predictive value of 95%. In summary, the available evidence is currently insufficient to determine the role of this variant in disease. Therefore, it has been classified as a Variant of Uncertain Significance.

NM_000548.5(TSC2):c.145A>G (p.Ser49Gly)

Gene: TSC2 (TSC complex subunit 2; plus strand). Cytogenetic location: 16p13.3.
Variant type: single nucleotide variant.
Coding change: c.145A>G on transcript NM_000548.5 (MANE Select); coding-DNA position 145, A replaced by G.
Protein change: p.Ser49Gly; replaces serine 49 with glycine.
Molecular consequence: missense variant. On other transcripts: 5 prime UTR variant (25), non-coding transcript variant (5).
Genome position (GRCh38, 1-based): chr16:2,050,406, A>G. VCF-style: chr16-2050406-A-G. GRCh37 (hg19) VCF-style: chr16-2100407-A-G.
Other names: c.145A>G, p.Ser49Gly (NM_001077183.3, NM_001114382.3, NM_001318827.2 and 13 more transcripts); c.-3A>G (NM_001318829.2, NM_001406675.1, NM_001406676.1 and 2 more transcripts); c.-82A>G (NM_001318831.2, NM_001406682.1, NM_001406684.1 and 3 more transcripts); c.178A>G, p.Ser60Gly (NM_001318832.2); c.-672A>G (NM_001406680.1, NM_001406683.1, NM_001406687.1); c.-301A>G (NM_001406681.1); c.-1287A>G (NM_001406689.1, NM_001406690.1, NM_001406691.1 and 2 more transcripts); c.-1593A>G (NM_001406693.1); and 3 more; short protein forms S49G, S60G.
Identifiers: ClinVar variation 3637170 (VCV003637170.2).
Genomic context (GRCh38, chr16:2,050,406, plus strand): 5'-AAGGAGACCGTGGCCTGAGCACTGGCCCCTTTTTCTTCTTTCATCTCTCTCCAGGAACTG[A>G]GCATGGAATGTGGCCTCAACAATCGCATCCGGATGATAGGGCAGATTTGTGAAGTCGCAA-3'
Protein context (NP_000539.2, residues 39-59): IITAEILREL[Ser49Gly]MECGLNNRIR